The following is an entry in ClinVar:

NM_001127208.3(TET2):c.2647T>A (p.Phe883Ile)

Genes: TET2 (tet methylcytosine dioxygenase 2; plus strand), TET2-AS1 (TET2 antisense RNA 1; minus strand). Cytogenetic location: 4q24.
Variant type: single nucleotide variant.
Coding change: c.2647T>A on transcript NM_001127208.3 (MANE Select); coding-DNA position 2647, T replaced by A.
Protein change: p.Phe883Ile; replaces phenylalanine 883 with isoleucine.
Molecular consequence: missense variant.
Genome position (GRCh38, 1-based): chr4:105,236,589, T>A. VCF-style: chr4-105236589-T-A. GRCh37 (hg19) VCF-style: chr4-106157746-T-A.
Other names: c.2647T>A, p.Phe883Ile (NM_017628.4); short protein forms F883I.
Identifiers: ClinVar variation 3967574 (VCV003967574.1).

ClinVar aggregate classification (germline): Uncertain significance (1 of 4 stars; one submission).

Submission:

Ambry Genetics
Classification: Uncertain significance. Last evaluated: 2025-04-19. Review status: criteria provided, single submitter. Criteria: Ambry Variant Classification Scheme 2023. Collection method: clinical testing. Allele origin: germline.
Comment: The p.F883I variant (also known as c.2647T>A), located in coding exon 1 of the TET2 gene, results from a T to A substitution at nucleotide position 2647. The phenylalanine at codon 883 is replaced by isoleucine, an amino acid with highly similar properties. This amino acid position is conserved. In addition, this alteration is predicted to be tolerated by in silico analysis. Based on the available evidence, the clinical significance of this variant remains unclear.